The following is an entry in ClinVar:

NM_001040108.2(MLH3):c.2896T>C (p.Ser966Pro)

Gene: MLH3 (mutL homolog 3; minus strand). Cytogenetic location: 14q24.3.
Variant type: single nucleotide variant.
Coding change: c.2896T>C on transcript NM_001040108.2 (MANE Select); coding-DNA position 2896, T replaced by C.
Protein change: p.Ser966Pro; replaces serine 966 with proline.
Molecular consequence: missense variant.
Genome position (GRCh38, 1-based): chr14:75,046,760, A>G on the plus strand (T>C on the coding strand, the complement: MLH3 is on the minus strand). VCF-style: chr14-75046760-A-G. GRCh37 (hg19) VCF-style: chr14-75513463-A-G.
Other names: c.2896T>C, p.Ser966Pro (NM_014381.3); short protein forms S966P.
Identifiers: ClinVar variation 220963 (VCV000220963.30), dbSNP rs17782839, ClinGen allele CA349524.
Genomic context (GRCh38, chr14:75,046,760, plus strand): 5'-CATCTGAATCTTTACCGGTAACTTTAGAATTATTATAGGGCAATACCAAAGGAGTTTCTG[A>G]TATCACACAGTTCTCTGTTGTATTGCTGTTAGAATGTGTTTTACTATTTTTATTAAAGGA-3'
Protein context (NP_001035197.1, residues 956-976): NSNTTENCVI[Ser966Pro]ETPLVLPYNN

ClinVar aggregate classification (germline): Benign/Likely benign. Review status: criteria provided, multiple submitters, no conflicts (2 of 4 stars). 12 submissions from 11 submitters: Benign (6); Likely benign (3). 3 of the submissions do not count toward it. Last evaluated 2026-02-02.

Conditions:
Endometrial carcinoma. Also called: Endometrial carcinoma, somatic. Identifiers: MedGen C0476089, MONDO:0002447, OMIM 608089, HP:0012114.
Colorectal cancer, hereditary nonpolyposis, type 7. Identifiers: Orphanet 144, MedGen C1858380, MONDO:0013725, OMIM 614385.

Allele frequency attached by ClinVar (database versions not stated): gnomAD 0.01041 and 0.01052; 1000 Genomes Project 30x 0.01077; 1000 Genomes Project 0.01118; TOPMed 0.01133; ESP Exome Variant Server 0.01161; ExAC 0.01588.
gnomAD v4.1: 26,106 of 1,614,142 alleles (1.6%); highest among the groups gnomAD compares: South Asian, 4.2%; 341 homozygotes.

Submissions (12):

Labcorp Genetics (formerly Invitae), Labcorp
Classification: Benign for Colorectal cancer, hereditary nonpolyposis, type 7. Last evaluated: 2026-02-02. Review status: criteria provided, single submitter. Criteria: Invitae Variant Classification Sherloc (09022015). Collection method: clinical testing. Allele origin: germline.

Center for Genomic Medicine, Rigshospitalet, Copenhagen University Hospital
Classification: Benign. Last evaluated: 2025-03-04. Review status: criteria provided, single submitter. Criteria: ACMG Guidelines, 2015. Collection method: clinical testing. Allele origin: germline.

KCCC/NGS Laboratory, Kuwait Cancer Control Center
Classification: Benign for Endometrial carcinoma. Last evaluated: 2025-02-01. Review status: criteria provided, single submitter. Criteria: ACMG Guidelines, 2015. Collection method: clinical testing. Allele origin: germline. Affected: no.

Mayo Clinic Laboratories, Mayo Clinic
Classification: Likely benign. Last evaluated: 2024-10-22. Review status: criteria provided, single submitter. Criteria: ACMG Guidelines, 2015. Collection method: clinical testing. Allele origin: germline. Observed: 27 variant alleles.
Comment: BS1, BP4

ARUP Laboratories, Molecular Genetics and Genomics, ARUP Laboratories
Classification: Benign. Last evaluated: 2023-11-08. Review status: criteria provided, single submitter. Criteria: ARUP Molecular Germline Variant Investigation Process 2024. Collection method: clinical testing. Allele origin: germline.

KCCC/NGS Laboratory, Kuwait Cancer Control Center
Classification: Benign for Colorectal cancer, hereditary nonpolyposis, type 7. Last evaluated: 2023-07-07. Review status: criteria provided, single submitter. Criteria: ACMG Guidelines, 2015. Collection method: clinical testing. Allele origin: germline. Affected: yes.

Ambry Genetics
Classification: Benign. Last evaluated: 2020-07-30. Review status: criteria provided, single submitter. Criteria: Ambry Variant Classification Scheme 2023. Collection method: clinical testing. Allele origin: germline.

Illumina Laboratory Services, Illumina
Classification: Likely benign for Colorectal cancer, hereditary nonpolyposis, type 7. Last evaluated: 2018-01-12. Review status: criteria provided, single submitter. Criteria: ICSL Variant Classification Criteria 13 December 2019. Collection method: clinical testing. Allele origin: germline.
Comment: This variant was observed in the ICSL laboratory as part of a predisposition screen in an ostensibly healthy population. It had not been previously curated by ICSL or reported in the Human Gene Mutation Database (HGMD: prior to June 1st, 2018), and was therefore a candidate for classification through an automated scoring system. Utilizing variant allele frequency, disease prevalence and penetrance estimates, and inheritance mode, an automated score was calculated to assess if this variant is too frequent to cause the disease. Based on the score and internal cut-off values, a variant classified as likely benign is not then subjected to further curation. The score for this variant resulted in a classification of likely benign for this disease.

Breakthrough Genomics
Classification: Likely benign. Review status: criteria provided, single submitter. Criteria: ACMG Guidelines, 2015. Collection method: not provided. Allele origin: germline. Inheritance: Autosomal dominant inheritance. Affected: yes.

Clinical Genetics, Academic Medical Center
Classification: Benign. Review status: no assertion criteria provided. Collection method: clinical testing. Allele origin: germline. Affected: yes. Study: VKGL Data-share Consensus. Not counted in ClinVar's aggregate classification.

Department of Pathology and Laboratory Medicine, Sinai Health System
Classification: Likely benign. Review status: no assertion criteria provided. Collection method: clinical testing. Allele origin: unknown. Affected: yes. Study: The Canadian Open Genetics Repository (COGR). Not counted in ClinVar's aggregate classification.
Comment: The MLH3 p.Ser966Pro variant was identified in the literature, however the frequency of this variant in an affected population was not provided. In a study by Talseth-Palmer et al., targeted NGS showed variant c.2896T>C to be a benign variation (Talseth-Palmer_2016_PMID: 26811195). The variant was identified in dbSNP (ID: rs17782839) as â€šÃ„ÃºWith Likely benign alleleâ€šÃ„Ã¹. In ClinVar, there were two submissions: benign by Invitae and likely benign by Illumina Clinical Services Laboratory with the associated conditions of Lynch syndrome and MLH3-Related Lynch Syndrome. The variant was also found in Clinvitae and LOVD 3.0 databases. The variant was not identified in Cosmic, MutDB, and UMD-LSDB databases. The variant was identified in control databases in 4160 of 282636 chromosomes (59 homozygous) at a frequency of 0.014719 increasing the likelihood this could be a low frequency benign variant (Genome Aggregation Database Feb 27, 2017). The variant was observed in the following populations: South Asian in 1271 of 30610 chromosomes (freq: 0.04152), Ashkenazi Jewish in 238 of 10366 chromosomes (freq: 2296), European (non-Finnish) in 2128 of 128974 chromosomes (freq: 0.0165), Other in 110 of 7218 chromosomes (freq: 0.01524), Latino in 241 of 35430 chromosomes (freq: 0.006802), European (Finnish) in 126 of 25122 chromosomes (freq: 0.005016), African in 43 of 24962 chromosomes (freq: 0.001723), and East Asian in 3 of 19954 chromosomes (freq: 0.00015). The variant occurs outside of the splicing consensus sequence and in silico or computational prediction software programs (SpliceSiteFinder, MaxEntScan, NNSPLICE, and GeneSplicer) do not predict a difference in splicing. The p.Ser966Pro residue is not conserved in mammals and four out of five computational analyses (PolyPhen-2, SIFT, AlignGVGD, and MutationTaster) do not suggest a high likelihood of impact to the protein; however, this information is not predictive enough to rule out pathogenicity. In summary, based on the above information the clinical significance of this variant cannot be determined with certainty at this time although we would lean towards a more benign role for this variant. This variant is classified as likely benign.

Laboratory of Diagnostic Genome Analysis, Leiden University Medical Center (LUMC)
Classification: Benign. Review status: no assertion criteria provided. Collection method: clinical testing. Allele origin: germline. Affected: yes. Study: VKGL Data-share Consensus. Not counted in ClinVar's aggregate classification.